The following is an entry in ClinVar:

ClinVar aggregate classification (germline): Likely pathogenic. Review status: criteria provided, multiple submitters, no conflicts (2 of 4 stars). 3 submissions from 3 submitters: Likely pathogenic (3). Last evaluated 2026-01-15.

Conditions:
Hyperammonemia, type III (NAGSD). Also called: Hyperammonemia due to N-acetylglutamate synthase deficiency. Identifiers: Orphanet 927, MedGen C0268543, MONDO:0009377, OMIM 237310.

Allele frequency attached by ClinVar (database versions not stated): gnomAD exomes below 0.00001.
gnomAD v4.1: 2 of 1,613,070 alleles (0.00012%); highest among the groups gnomAD compares: Admixed American, 0.0017%; no homozygotes.

Submissions (3):

Dasa
Classification: Likely pathogenic for hyperammonemia due to N-acetylglutamate synthase deficiency. Last evaluated: 2026-01-15. Review status: criteria provided, single submitter. Criteria: DASA Assertion Criteria. Collection method: clinical testing. Allele origin: germline.
Comment: NM_153006.3(NAGS):c.915+1G>T affects a canonical splice site and is predicted to disrupt normal RNA splicing. Loss of function is an established disease mechanism for NAGS-associated disorders. Also, this variant is rare in population databases. Based on the currently available evidence, this variant is classified as likely pathogenic.

Baylor Genetics
Classification: Likely pathogenic for Hyperammonemia, type III. Last evaluated: 2023-01-05. Review status: criteria provided, single submitter. Criteria: ACMG Guidelines, 2015. Collection method: clinical testing. Allele origin: unknown.

Labcorp Genetics (formerly Invitae), Labcorp
Classification: Likely pathogenic for Hyperammonemia, type III. Last evaluated: 2021-08-09. Review status: criteria provided, single submitter. Criteria: Invitae Variant Classification Sherloc (09022015). Collection method: clinical testing. Allele origin: germline.
Comment: This sequence change affects a donor splice site in intron 3 of the NAGS gene. It is expected to disrupt RNA splicing. Variants that disrupt the donor or acceptor splice site typically lead to a loss of protein function (PMID: 16199547), and loss-of-function variants in NAGS are known to be pathogenic (PMID: 12594532). This variant is not present in population databases (ExAC no frequency). This variant has not been reported in the literature in individuals affected with NAGS-related conditions. Algorithms developed to predict the effect of sequence changes on RNA splicing suggest that this variant may disrupt the consensus splice site. In summary, the currently available evidence indicates that the variant is pathogenic, but additional data are needed to prove that conclusively. Therefore, this variant has been classified as Likely Pathogenic.

Literature cited by the submitters: PubMed 16199547 (cited by Labcorp Genetics (formerly Invitae), Labcorp); PubMed 12594532 (cited by Labcorp Genetics (formerly Invitae), Labcorp).

NM_153006.3(NAGS):c.915+1G>T

Gene: NAGS (N-acetylglutamate synthase; plus strand). Cytogenetic location: 17q21.31.
Variant type: single nucleotide variant.
Coding change: c.915+1G>T on transcript NM_153006.3 (MANE Select); the canonical splice donor site of the intron after coding-DNA position 915, G replaced by T.
Molecular consequence: splice donor variant.
Genome position (GRCh38, 1-based): chr17:44,006,238, G>T. VCF-style: chr17-44006238-G-T. GRCh37 (hg19) VCF-style: chr17-42083606-G-T.
Identifiers: ClinVar variation 1504946 (VCV001504946.9), dbSNP rs1319006991, ClinGen allele CA399725961.